The following is an entry in ClinVar:

ClinVar aggregate classification (germline): Conflicting classifications of pathogenicity. Review status: criteria provided, conflicting classifications (1 of 4 stars). 3 submissions from 3 submitters: Uncertain significance (2); Likely benign (1). Last evaluated 2023-03-23.

Conditions:
Hereditary cancer-predisposing syndrome. Also called: Tumor predisposition; Hereditary Cancer Syndrome; Hereditary neoplastic syndrome; Neoplastic Syndromes, Hereditary. Identifiers: Orphanet 140162, MedGen C0027672, MeSH D009386, MONDO:0015356.

Submissions (3):

University of Washington Department of Laboratory Medicine, University of Washington
Classification: Likely benign for Hereditary cancer-predisposing syndrome. Last evaluated: 2023-03-23. Review status: criteria provided, single submitter. Criteria: Dines et al. (Genet Med. 2020). Collection method: curation. Allele origin: germline.
Comment: Missense variant in a coldspot region where missense variants are very unlikely to be pathogenic (PMID:31911673).

BRCA2 exon 11 coldspot. Reclassification based on statistical prior probability.

Ambry Genetics
Classification: Uncertain significance for Hereditary cancer-predisposing syndrome. Last evaluated: 2020-09-09. Review status: criteria provided, single submitter. Criteria: Ambry Variant Classification Scheme 2023. Collection method: clinical testing. Allele origin: germline.
Comment: The p.T1150S variant (also known as c.3449C>G), located in coding exon 10 of the BRCA2 gene, results from a C to G substitution at nucleotide position 3449. The threonine at codon 1150 is replaced by serine, an amino acid with similar properties. This amino acid position is poorly conserved in available vertebrate species. In addition, this alteration is predicted to be tolerated by in silico analysis. Since supporting evidence is limited at this time, the clinical significance of this alteration remains unclear.

GeneDx
Classification: Uncertain significance. Last evaluated: 2014-09-09. Review status: criteria provided, single submitter. Criteria: GeneDx Variant Classification (06012015). Collection method: clinical testing. Allele origin: germline. Affected: yes.
Comment: This variant is denoted BRCA2 c.3449C>G at the cDNA level, p.Thr1150Ser (T1150S) at the protein level, and results in the change of a Threonine to a Serine (ACT>AGT). This variant also referred to as c.3677C>G has not, to our knowledge, been published in the literature as pathogenic or benign. BRCA2 Thr1150Ser was not observed in approximately 6,500 individuals of European and African American ancestry in the NHLBI Exome Sequencing Project, indicating it is not a common benign variant in these populations. Since Threonine and Serine share similar properties, this is considered a conservative amino acid substitution. BRCA2 Thr1150Ser occurs at a position that is poorly conserved across species while tolerating Serine in four species and is not located within a known functional domain. In silico analyses predict that this variant is unlikely to alter protein structure or function. Based on currently available information, it is unclear whether BRCA2 Thr1150Ser is pathogenic or benign. We consider it to be a variant of uncertain significance.

NM_000059.4(BRCA2):c.3449C>G (p.Thr1150Ser)

Gene: BRCA2 (BRCA2 DNA repair associated; plus strand). Cytogenetic location: 13q13.1.
Variant type: single nucleotide variant.
Coding change: c.3449C>G on transcript NM_000059.4 (MANE Select); coding-DNA position 3449, C replaced by G.
Protein change: p.Thr1150Ser; replaces threonine 1150 with serine.
Molecular consequence: missense variant.
Genome position (GRCh38, 1-based): chr13:32,337,804, C>G. VCF-style: chr13-32337804-C-G. GRCh37 (hg19) VCF-style: chr13-32911941-C-G.
Other names: p.T1150S:ACT>AGT; short protein forms T1150S.
Identifiers: ClinVar variation 182201 (VCV000182201.6), dbSNP rs730881524, ClinGen allele CA018054.